The following is an entry in ClinVar:

NM_001368894.2(PAX6):c.1075-3C>G

Gene: PAX6 (paired box 6; minus strand). Cytogenetic location: 11p13.
Variant type: single nucleotide variant.
Coding change: c.1075-3C>G on transcript NM_001368894.2 (MANE Select); 3 bases into the intron before coding-DNA position 1075, C replaced by G.
Molecular consequence: intron variant.
Genome position (GRCh38, 1-based): chr11:31,790,863, G>C on the plus strand (C>G on the coding strand, the complement: PAX6 is on the minus strand). VCF-style: chr11-31790863-G-C. GRCh37 (hg19) VCF-style: chr11-31812411-G-C.
Other names: c.1033-3C>G (NM_001127612.3, NM_001368890.2, NM_001368888.2 and 6 more transcripts); c.874-844C>G (NM_001368921.2); c.874-3C>G (NM_001368923.2, NM_001368926.2, NM_001368927.2 and 3 more transcripts); c.1075-3C>G (NM_001258462.3, NM_001310158.2, NM_001258463.2 and 3 more transcripts); c.1150-3C>G (NM_001368919.2, NM_001368918.2); c.1033-844C>G (NM_001368915.2, NM_001368917.2, NM_001368916.2); c.1075-844C>G (NM_001368914.2, NM_001368912.2, NM_001368913.2); c.1276-3C>G (NM_001368910.2); and 6 more.
Identifiers: ClinVar variation 289617 (VCV000289617.9), dbSNP rs886044223, ClinGen allele CA10606498.

ClinVar aggregate classification (germline): Conflicting classifications of pathogenicity. Review status: criteria provided, conflicting classifications (1 of 4 stars). 3 submissions from 3 submitters: Pathogenic (1); Uncertain significance (1). 1 of the submissions does not count toward it. Last evaluated 2024-06-26.

Conditions:
Aniridia 1 (AN1). Identifiers: Orphanet 250923, MedGen C0344542, MONDO:0024507, OMIM 106210.
Irido-corneo-trabecular dysgenesis (ASGD5). Also called: ANTERIOR SEGMENT DYSGENESIS 5. Identifiers: Orphanet 708, MedGen C0344559, MONDO:0011414, OMIM 604229, HP:0000659.

Submissions (3):

Labcorp Genetics (formerly Invitae), Labcorp
Classification: Pathogenic for Aniridia 1; Irido-corneo-trabecular dysgenesis. Last evaluated: 2024-06-26. Review status: criteria provided, single submitter. Criteria: Invitae Variant Classification Sherloc (09022015). Collection method: clinical testing. Allele origin: germline.
Comment: This sequence change falls in intron 11 of the PAX6 gene. It does not directly change the encoded amino acid sequence of the PAX6 protein. It affects a nucleotide within the consensus splice site. This variant is not present in population databases (gnomAD no frequency). This variant has been observed in individual(s) with clinical features of PAX6-related conditions (Invitae). In at least one individual the variant was observed to be de novo. ClinVar contains an entry for this variant (Variation ID: 289617). Variants that disrupt the consensus splice site are a relatively common cause of aberrant splicing (PMID: 17576681, 9536098). Algorithms developed to predict the effect of sequence changes on RNA splicing suggest that this variant may disrupt the consensus splice site. For these reasons, this variant has been classified as Pathogenic.

Eurofins Ntd Llc (ga)
Classification: Uncertain significance. Last evaluated: 2016-08-18. Review status: criteria provided, single submitter. Criteria: EGL Classification Definitions 2015. Collection method: clinical testing. Allele origin: germline. Observed: 1 variant allele, 1 heterozygote.

Wessex Regional Genetics Laboratory, Salisbury District Hospital
Classification: Likely pathogenic for Aniridia 1. Last evaluated: 2019-08-15. Review status: no assertion criteria provided. Criteria: ACMG Guidelines, 2015. Collection method: clinical testing. Allele origin: de novo. Inheritance: Autosomal dominant inheritance. Affected: yes. Not counted in ClinVar's aggregate classification.

Literature cited by the submitters: PubMed 17576681 (cited by Labcorp Genetics (formerly Invitae), Labcorp); PubMed 9536098 (cited by Labcorp Genetics (formerly Invitae), Labcorp).